The following is an entry in ClinVar:

ClinVar aggregate classification (germline): Uncertain significance (1 of 4 stars; one submission).

gnomAD v4.1: 1 of 1,614,152 alleles (0.000062%); highest among the groups gnomAD compares: Non-Finnish European, 0.000085%; no homozygotes.

Submission:

GeneDx
Classification: Uncertain significance. Last evaluated: 2024-03-07. Review status: criteria provided, single submitter. Criteria: GeneDx Variant Classification Process June 2021. Collection method: clinical testing. Allele origin: germline. Affected: yes.
Comment: Not observed at significant frequency in large population cohorts (gnomAD); In silico analysis supports that this missense variant has a deleterious effect on protein structure/function; Has not been previously published as pathogenic or benign to our knowledge

NM_002860.4(ALDH18A1):c.1819G>A (p.Glu607Lys)

Gene: ALDH18A1 (aldehyde dehydrogenase 18 family member A1; minus strand). Cytogenetic location: 10q24.1.
Variant type: single nucleotide variant.
Coding change: c.1819G>A on transcript NM_002860.4 (MANE Select); coding-DNA position 1819, G replaced by A.
Protein change: p.Glu607Lys; replaces glutamic acid 607 with lysine.
Molecular consequence: missense variant.
Genome position (GRCh38, 1-based): chr10:95,613,846, C>T on the plus strand (G>A on the coding strand, the complement: ALDH18A1 is on the minus strand). VCF-style: chr10-95613846-C-T. GRCh37 (hg19) VCF-style: chr10-97373603-C-T.
Other names: c.1813G>A, p.Glu605Lys (NM_001017423.2, NM_001323415.2); c.1486G>A, p.Glu496Lys (NM_001323412.2, NM_001323416.2); c.1819G>A, p.Glu607Lys (NM_001323413.2, NM_001323414.2); c.1714G>A, p.Glu572Lys (NM_001323417.2); c.1480G>A, p.Glu494Lys (NM_001323418.2); c.1183G>A, p.Glu395Lys (NM_001323419.2); short protein forms E395K, E494K, E496K, E572K, E605K, E607K.
Identifiers: ClinVar variation 3370693 (VCV003370693.1).